The following is an entry in ClinVar:

NM_001363711.2(DUOX2):c.2932C>G (p.Gln978Glu)

Gene: DUOX2 (dual oxidase 2; minus strand). Cytogenetic location: 15q21.1.
Variant type: single nucleotide variant.
Coding change: c.2932C>G on transcript NM_001363711.2 (MANE Select); coding-DNA position 2932, C replaced by G.
Protein change: p.Gln978Glu; replaces glutamine 978 with glutamic acid.
Molecular consequence: missense variant.
Genome position (GRCh38, 1-based): chr15:45,100,828, G>C on the plus strand (C>G on the coding strand, the complement: DUOX2 is on the minus strand). VCF-style: chr15-45100828-G-C. GRCh37 (hg19) VCF-style: chr15-45393026-G-C.
Other names: c.2932C>G, p.Gln978Glu (NM_014080.5); short protein forms Q978E.
Identifiers: ClinVar variation 1375265 (VCV001375265.8), dbSNP rs372872023, ClinGen allele CA7538068.

ClinVar aggregate classification (germline): Uncertain significance (1 of 4 stars; one submission).

Allele frequency attached by ClinVar (database versions not stated): TOPMed below 0.00001; gnomAD 0.00001; ESP Exome Variant Server 0.00008.
gnomAD v4.1: 44 of 1,610,822 alleles (0.0027%); highest among the groups gnomAD compares: Non-Finnish European, 0.0035%; no homozygotes.

Submission:

Labcorp Genetics (formerly Invitae), Labcorp
Classification: Uncertain significance. Last evaluated: 2025-12-24. Review status: criteria provided, single submitter. Criteria: Invitae Variant Classification Sherloc (09022015). Collection method: clinical testing. Allele origin: germline.
Comment: This sequence change replaces glutamine, which is neutral and polar, with glutamic acid, which is acidic and polar, at codon 978 of the DUOX2 protein (p.Gln978Glu). This variant is present in population databases (rs372872023, gnomAD 0.0009%). This variant has not been reported in the literature in individuals affected with DUOX2-related conditions. ClinVar contains an entry for this variant (Variation ID: 1375265). Invitae Evidence Modeling of protein sequence and biophysical properties (such as structural, functional, and spatial information, amino acid conservation, physicochemical variation, residue mobility, and thermodynamic stability) indicates that this missense variant is not expected to disrupt DUOX2 protein function with a negative predictive value of 95%. In summary, the available evidence is currently insufficient to determine the role of this variant in disease. Therefore, it has been classified as a Variant of Uncertain Significance.